The following is an entry in ClinVar:

ClinVar aggregate classification (germline): Uncertain significance. Review status: criteria provided, multiple submitters, no conflicts (2 of 4 stars). 4 submissions from 3 submitters: Uncertain significance (4). Last evaluated 2021-10-11.

Conditions:
RASopathy. Also called: rasopathies; Noonan spectrum disorder. Identifiers: Orphanet 536391, MedGen C5555857, MONDO:0021060.
Noonan syndrome 4 (NS4). Also called: SOS1-Related Noonan Syndrome; NOONAN SYNDROME WITH PIGMENTED VILLONODULAR SYNOVITIS. Identifiers: Orphanet 648, MedGen C1853120, MONDO:0012547, OMIM 610733.
Fibromatosis, gingival, 1 (GINGF1). Identifiers: Orphanet 2024, MedGen C4551558, MONDO:0007609, OMIM 135300.

Submissions (4):

Labcorp Genetics (formerly Invitae), Labcorp
Classification: Uncertain significance for RASopathy. Last evaluated: 2021-10-11. Review status: criteria provided, single submitter. Criteria: Invitae Variant Classification Sherloc (09022015). Collection method: clinical testing. Allele origin: germline.
Comment: This sequence change creates a premature translational stop signal (p.Arg786*) in the SOS1 gene. It is expected to result in an absent or disrupted protein product. However, the current clinical and genetic evidence is not sufficient to establish whether loss-of-function variants in SOS1 cause disease. This variant is not present in population databases (ExAC no frequency). This variant has not been reported in the literature in individuals affected with SOS1-related conditions. In summary, the available evidence is currently insufficient to determine the role of this variant in disease. Therefore, it has been classified as a Variant of Uncertain Significance.

GeneDx
Classification: Uncertain significance. Last evaluated: 2019-06-27. Review status: criteria provided, single submitter. Criteria: GeneDx Variant Classification Process June 2021. Collection method: clinical testing. Allele origin: germline. Affected: yes.
Comment: Has not been previously published as pathogenic or benign to our knowledge; Not observed in large population cohorts (Lek et al., 2016); Nonsense variant predicted to result in protein truncation or nonsense mediated decay in a gene for which loss-of-function is not a known mechanism of disease

Genome-Nilou Lab
Classification: Uncertain significance for Noonan syndrome 4. Review status: criteria provided, single submitter. Criteria: ACMG Guidelines, 2015. Collection method: clinical testing. Allele origin: germline.

Genome-Nilou Lab
Classification: Uncertain significance for Fibromatosis, gingival, 1. Review status: criteria provided, single submitter. Criteria: ACMG Guidelines, 2015. Collection method: clinical testing. Allele origin: germline.

NM_005633.4(SOS1):c.2356C>T (p.Arg786Ter)

Gene: SOS1 (SOS Ras/Rac guanine nucleotide exchange factor 1; minus strand). Cytogenetic location: 2p22.1.
Variant type: single nucleotide variant.
Coding change: c.2356C>T on transcript NM_005633.4 (MANE Select); coding-DNA position 2356, C replaced by T.
Protein change: p.Arg786Ter; replaces arginine 786 with a stop codon.
Molecular consequence: nonsense.
Genome position (GRCh38, 1-based): chr2:39,012,160, G>A on the plus strand (C>T on the coding strand, the complement: SOS1 is on the minus strand). VCF-style: chr2-39012160-G-A. GRCh37 (hg19) VCF-style: chr2-39239301-G-A.
Other names: c.2335C>T, p.Arg779Ter (NM_001382394.1); c.2356C>T, p.Arg786Ter (NM_001382395.1); short protein forms R779*, R786*.
Identifiers: ClinVar variation 1306544 (VCV001306544.8), dbSNP rs2124514851, ClinGen allele CA346364059.
Genomic context (GRCh38, chr2:39,012,160, plus strand): 5'-TTCAACTTGAATGTTAAATTACATACCGGTATAGATCTGATTCAAGTAAAGTGAGTTGTC[G>A]AGCAATTTCTATTGGGTGTAAGGTGAGCAGGTCAAAAGTCTCTATGTGCCCAGGTCTGCT-3'